The following is an entry in ClinVar:

ClinVar aggregate classification (germline): Benign. Review status: criteria provided, multiple submitters, no conflicts (2 of 4 stars). 10 submissions from 10 submitters: Benign (7). 3 of the submissions do not count toward it. Last evaluated 2026-02-04.

Conditions:
Ehlers-Danlos syndrome, dermatosparaxis type. Also called: Ehlers-Danlos syndrome, type VII, autosomal recessive; EDS VIIC; Dermatosparaxis. Identifiers: Orphanet 1901, MedGen C2700425, MONDO:0009161, OMIM 225410.

Allele frequency attached by ClinVar (database versions not stated): ESP Exome Variant Server 0.91527; TOPMed 0.91657; 1000 Genomes Project 0.92452; 1000 Genomes Project 30x 0.92489; gnomAD exomes 0.92703 and 0.93313; ExAC 0.92962; gnomAD 0.93088.
gnomAD v4.1: 1,494,863 of 1,613,816 alleles (93%); highest among the groups gnomAD compares: East Asian, 100%; 692,918 homozygotes.

Submissions (10):

Labcorp Genetics (formerly Invitae), Labcorp
Classification: Benign for Ehlers-Danlos syndrome, dermatosparaxis type. Last evaluated: 2026-02-04. Review status: criteria provided, single submitter. Criteria: Invitae Variant Classification Sherloc (09022015). Collection method: clinical testing. Allele origin: germline.

Blueprint Genetics
Classification: Benign. Last evaluated: 2024-11-26. Review status: criteria provided, single submitter. Criteria: ACMG Guidelines, 2015. Collection method: clinical testing. Allele origin: germline.

Genome-Nilou Lab
Classification: Benign for Ehlers-Danlos syndrome, dermatosparaxis type. Last evaluated: 2021-07-10. Review status: criteria provided, single submitter. Criteria: ACMG Guidelines, 2015. Collection method: clinical testing. Allele origin: germline. Affected: no.

Mayo Clinic Laboratories, Mayo Clinic
Classification: Benign. Last evaluated: 2019-03-13. Review status: criteria provided, single submitter. Criteria: ACMG Guidelines, 2015. Collection method: clinical testing. Allele origin: germline. Observed: 4,286 variant alleles.

Illumina Laboratory Services, Illumina
Classification: Benign for Ehlers-Danlos syndrome, dermatosparaxis type. Last evaluated: 2018-01-13. Review status: criteria provided, single submitter. Criteria: ICSL Variant Classification Criteria 13 December 2019. Collection method: clinical testing. Allele origin: germline.
Comment: This variant was observed in the ICSL laboratory as part of a predisposition screen in an ostensibly healthy population. It had not been previously curated by ICSL or reported in the Human Gene Mutation Database (HGMD: prior to June 1st, 2018), and was therefore a candidate for classification through an automated scoring system. Utilizing variant allele frequency, disease prevalence and penetrance estimates, and inheritance mode, an automated score was calculated to assess if this variant is too frequent to cause the disease. Based on the score and internal cut-off values, a variant classified as benign is not then subjected to further curation. The score for this variant resulted in a classification of benign for this disease.

Women's Health and Genetics/Laboratory Corporation of America, LabCorp
Classification: Benign. Last evaluated: 2016-11-25. Review status: criteria provided, single submitter. Criteria: LabCorp Variant Classification Summary - May 2015. Collection method: clinical testing. Allele origin: germline.
Comment: Variant summary: The ADAMTS2 c.786G>A (p.Ala262Ala) variant involves the alteration of a non-conserved nucleotide, resulting in a synonymous change. One in silico tool predicts a polymorphism outcome for this variant. 4/5 splice prediction tools predict no significant impact on normal splicing. ESE finder predicts that this variant may affect multiple ESE sites. However, these predictions have yet to be confirmed by functional studies. This variant was found in 112782/121320 control chromosomes (52500 homozygotes) at a frequency of 0.9296241, which is approximately 322 times the estimated maximal expected allele frequency of a pathogenic ADAMTS2 variant (0.0028868), suggesting this variant is likely a benign polymorphism. Taken together, this variant is classified as benign.

GeneDx
Classification: Benign. Last evaluated: 2016-09-29. Review status: criteria provided, single submitter. Criteria: GeneDx Variant Classification (06012015). Collection method: clinical testing. Allele origin: germline. Affected: yes.
Comment: This variant is considered likely benign or benign based on one or more of the following criteria: it is a conservative change, it occurs at a poorly conserved position in the protein, it is predicted to be benign by multiple in silico algorithms, and/or has population frequency not consistent with disease.

Natera, Inc.
Classification: Benign for Ehlers-Danlos syndrome type VIIC. Last evaluated: 2020-09-16. Review status: no assertion criteria provided. Collection method: clinical testing. Allele origin: germline. Not counted in ClinVar's aggregate classification.

Genome Diagnostics Laboratory, Amsterdam University Medical Center
Classification: Benign for Ehlers-Danlos syndrome, dermatosparaxis type. Last evaluated: 2014-11-19. Review status: no assertion criteria provided. Criteria: ACGS Guidelines, 2013. Collection method: clinical testing. Allele origin: germline. Affected: yes. Study: VKGL Data-share Consensus. Not counted in ClinVar's aggregate classification.

Diagnostic Laboratory, Department of Genetics, University Medical Center Groningen
Classification: Benign for Ehlers-Danlos syndrome, dermatosparaxis type. Review status: no assertion criteria provided. Collection method: clinical testing. Allele origin: germline. Affected: yes. Study: VKGL Data-share Consensus. Not counted in ClinVar's aggregate classification.

NM_014244.5(ADAMTS2):c.786G>A (p.Ala262=)

Gene: ADAMTS2 (ADAM metallopeptidase with thrombospondin type 1 motif 2; minus strand). Cytogenetic location: 5q35.3.
Variant type: single nucleotide variant.
Coding change: c.786G>A on transcript NM_014244.5 (MANE Select); coding-DNA position 786, G replaced by A.
Protein change: p.Ala262=; no amino-acid change (alanine 262 retained).
Molecular consequence: synonymous variant.
Genome position (GRCh38, 1-based): chr5:179,207,618, C>T on the plus strand (G>A on the coding strand, the complement: ADAMTS2 is on the minus strand). VCF-style: chr5-179207618-C-T. GRCh37 (hg19) VCF-style: chr5-178634619-C-T.
Other names: p.Ala262=; c.786G>A, p.Ala262= (NM_021599.4).
Identifiers: ClinVar variation 353130 (VCV000353130.21), dbSNP rs423552, ClinGen allele CA3596160.